The following is an entry in ClinVar:

NM_001184.4(ATR):c.3183A>T (p.Glu1061Asp)

Gene: ATR (ATR checkpoint kinase; minus strand). Cytogenetic location: 3q23.
Variant type: single nucleotide variant.
Coding change: c.3183A>T on transcript NM_001184.4 (MANE Select); coding-DNA position 3183, A replaced by T.
Protein change: p.Glu1061Asp; replaces glutamic acid 1061 with aspartic acid.
Molecular consequence: missense variant.
Genome position (GRCh38, 1-based): chr3:142,547,899, T>A on the plus strand (A>T on the coding strand, the complement: ATR is on the minus strand). VCF-style: chr3-142547899-T-A. GRCh37 (hg19) VCF-style: chr3-142266741-T-A.
Other names: c.2991A>T, p.Glu997Asp (NM_001354579.2); short protein forms E1061D, E997D.
Identifiers: ClinVar variation 1728563 (VCV001728563.2), dbSNP rs138025798, ClinGen allele CA354810993.

ClinVar aggregate classification (germline): Uncertain significance (1 of 4 stars; one submission).

Conditions:
Inborn genetic diseases. Identifiers: MedGen C0950123, MeSH D030342.

gnomAD v4.1: 1 of 1,613,934 alleles (0.000062%); highest among the groups gnomAD compares: Non-Finnish European, 0.000085%; no homozygotes.

Submission:

Ambry Genetics
Classification: Uncertain significance for Inborn genetic diseases. Last evaluated: 2022-01-29. Review status: criteria provided, single submitter. Criteria: Ambry Variant Classification Scheme 2023. Collection method: clinical testing. Allele origin: germline.
Comment: The p.E1061D variant (also known as c.3183A>T), located in coding exon 16 of the ATR gene, results from an A to T substitution at nucleotide position 3183. The glutamic acid at codon 1061 is replaced by aspartic acid, an amino acid with highly similar properties. This amino acid position is conserved. In addition, this alteration is predicted to be tolerated by in silico analysis. Since supporting evidence is limited at this time, the clinical significance of this alteration remains unclear.